The following is an entry in ClinVar:

ClinVar aggregate classification (germline): Pathogenic (1 of 4 stars; one submission).

Conditions:
Hereditary angioedema type 1 (HAE1). Identifiers: Orphanet 100050, Orphanet 100051, Orphanet 91378, MedGen C2717906, MONDO:0015053, OMIM 106100.

Submission:

Department of Immunology and Histocompatibility, University of Thessaly
Classification: Pathogenic for Hereditary angioedema type 1. Review status: criteria provided, single submitter. Criteria: ACMG Guidelines, 2015. Collection method: clinical testing. Allele origin: germline. Affected: yes. Observed: 1 variant allele.
Comment: The c.1A>C (p.Met1Leu) variant has been previously reported in association with hereditary angioedema in the literature (Speletas et al., 2015; Loules et al., 2018). It is a regulatory mutation that alters the initiation codon of the transcript 001 of SERPING1 gene. The variant has never been detected in approximately 120000 individuals of the Exome Aggregation Consortium (ExAC), indicating that it is not a common variant. There are three more mutations which change the initiation codon of the transcript and they have been previously reported in association with C1-INH HAE type I: c.1A>G (p.Met1Val), c.2T>G (p.Met1Arg) [Speletas et al. 2015] and c.2T>G (p.Met1Thr) [Bafunno V et al., 2014]. Taking all the above into account and according to ACMG Guidelines (Criteria: PVS1, PS1, PS4, PM2, PP1-S, PP4) the variant is considered pathogenic.

Literature cited by the submitters: PubMed 29753808.

NM_000062.3(SERPING1):c.1A>C (p.Met1Leu)

Gene: SERPING1 (serpin family G member 1; plus strand). Cytogenetic location: 11q12.1.
Variant type: single nucleotide variant.
Coding change: c.1A>C on transcript NM_000062.3 (MANE Select); coding-DNA position 1, A replaced by C.
Protein change: p.Met1Leu; changes the start codon (methionine 1).
Molecular consequence: missense variant, initiator codon variant.
Genome position (GRCh38, 1-based): chr11:57,598,271, A>C. VCF-style: chr11-57598271-A-C. GRCh37 (hg19) VCF-style: chr11-57365744-A-C.
Other names: c.1A>C, p.Met1Leu (NM_001032295.2); short protein forms M1L.
Identifiers: ClinVar variation 626353 (VCV000626353.3), dbSNP rs1565168898, ClinGen allele CA380693199.
Genomic context (GRCh38, chr11:57,598,271, plus strand): 5'-AGGGTGGGAGCTGGCTCCGAGGCTGGCTGGCTCCGCAGGTCCGCTGACGTCGCCGCCCAG[A>C]TGGCCTCCAGGCTGACCCTGCTGACCCTCCTGCTGCTGCTGCTGGCTGGGGTATGTGGTC-3'
Protein context (NP_000053.2, residues 1-11): [Met1Leu]ASRLTLLTLL